The following is an entry in ClinVar:

ClinVar aggregate classification (germline): Uncertain significance. Review status: criteria provided, multiple submitters, no conflicts (2 of 4 stars). 2 submissions from 2 submitters: Uncertain significance (2). Last evaluated 2025-08-31.

Conditions:
Inborn genetic diseases. Identifiers: MedGen C0950123, MeSH D030342.

Submissions (2):

Ambry Genetics
Classification: Uncertain significance for Inborn genetic diseases. Last evaluated: 2025-08-31. Review status: criteria provided, single submitter. Criteria: Ambry Variant Classification Scheme 2023. Collection method: clinical testing. Allele origin: germline.

Labcorp Genetics (formerly Invitae), Labcorp
Classification: Uncertain significance. Last evaluated: 2025-08-11. Review status: criteria provided, single submitter. Criteria: Invitae Variant Classification Sherloc (09022015). Collection method: clinical testing. Allele origin: germline.
Comment: This sequence change replaces histidine, which is basic and polar, with glutamine, which is neutral and polar, at codon 395 of the DONSON protein (p.His395Gln). This variant is not present in population databases (gnomAD no frequency). This variant has not been reported in the literature in individuals affected with DONSON-related conditions. Invitae Evidence Modeling of protein sequence and biophysical properties (such as structural, functional, and spatial information, amino acid conservation, physicochemical variation, residue mobility, and thermodynamic stability) has been performed for this missense variant. However, the output from this modeling did not meet the statistical confidence thresholds required to predict the impact of this variant on DONSON protein function. In summary, the available evidence is currently insufficient to determine the role of this variant in disease. Therefore, it has been classified as a Variant of Uncertain Significance.

NM_017613.4(DONSON):c.1185C>G (p.His395Gln)

Gene: DONSON (DNA replication fork stabilization factor DONSON; minus strand). Cytogenetic location: 21q22.11.
Variant type: single nucleotide variant.
Coding change: c.1185C>G on transcript NM_017613.4 (MANE Select); coding-DNA position 1185, C replaced by G.
Protein change: p.His395Gln; replaces histidine 395 with glutamine.
Molecular consequence: missense variant.
Genome position (GRCh38, 1-based): chr21:33,581,467, G>C on the plus strand (C>G on the coding strand, the complement: DONSON is on the minus strand). VCF-style: chr21-33581467-G-C. GRCh37 (hg19) VCF-style: chr21-34953773-G-C.
Other names: short protein forms H395Q.
Identifiers: ClinVar variation 4244209 (VCV004244209.2).